The following is an entry in ClinVar:

ClinVar aggregate classification (germline): Uncertain significance (1 of 4 stars; one submission).

Conditions:
Inborn genetic diseases. Identifiers: MedGen C0950123, MeSH D030342.

Submission:

Ambry Genetics
Classification: Uncertain significance for Inborn genetic diseases. Last evaluated: 2022-10-13. Review status: criteria provided, single submitter. Criteria: Ambry Variant Classification Scheme 2023. Collection method: clinical testing. Allele origin: germline.
Comment: The p.M724L variant (also known as c.2170A>C), located in coding exon 22 of the ERCC2 gene, results from an A to C substitution at nucleotide position 2170. The methionine at codon 724 is replaced by leucine, an amino acid with highly similar properties. This amino acid position is conserved. In addition, the in silico prediction for this alteration is inconclusive. Since supporting evidence is limited at this time, the clinical significance of this alteration remains unclear.

NM_000400.4(ERCC2):c.2170A>C (p.Met724Leu)

Gene: ERCC2 (ERCC excision repair 2, TFIIH core complex helicase subunit; minus strand). Cytogenetic location: 19q13.32.
Variant type: single nucleotide variant.
Coding change: c.2170A>C on transcript NM_000400.4 (MANE Select); coding-DNA position 2170, A replaced by C.
Protein change: p.Met724Leu; replaces methionine 724 with leucine.
Molecular consequence: missense variant.
Genome position (GRCh38, 1-based): chr19:45,352,229, T>G on the plus strand (A>C on the coding strand, the complement: ERCC2 is on the minus strand). VCF-style: chr19-45352229-T-G. GRCh37 (hg19) VCF-style: chr19-45855487-T-G.
Other names: short protein forms M724L.
Identifiers: ClinVar variation 1787083 (VCV001787083.2), dbSNP rs1240224557, ClinGen allele CA406360973.